The following is an entry in ClinVar:

ClinVar aggregate classification (germline): Uncertain significance (1 of 4 stars; one submission).

Conditions:
Atrial fibrillation, familial, 7 (ATFB7). Identifiers: MedGen C2677106, MONDO:0012828, OMIM 612240.

Allele frequency attached by ClinVar (database versions not stated): gnomAD exomes below 0.00001.
gnomAD v4.1: 3 of 1,612,986 alleles (0.00019%); highest among the groups gnomAD compares: Non-Finnish European, 0.00017%; no homozygotes.

Submission:

Labcorp Genetics (formerly Invitae), Labcorp
Classification: Uncertain significance for Atrial fibrillation, familial, 7. Last evaluated: 2021-07-31. Review status: criteria provided, single submitter. Criteria: Invitae Variant Classification Sherloc (09022015). Collection method: clinical testing. Allele origin: germline.
Comment: In summary, the available evidence is currently insufficient to determine the role of this variant in disease. Therefore, it has been classified as a Variant of Uncertain Significance. Algorithms developed to predict the effect of missense changes on protein structure and function output the following: SIFT: "Deleterious"; PolyPhen-2: "Benign"; Align-GVGD: "Class C0". The alanine amino acid residue is found in multiple mammalian species, suggesting that this missense change does not adversely affect protein function. These predictions have not been confirmed by published functional studies and their clinical significance is uncertain. This variant has not been reported in the literature in individuals with KCNA5-related conditions. This variant is not present in population databases (ExAC no frequency). This sequence change replaces proline with alanine at codon 285 of the KCNA5 protein (p.Pro285Ala). The proline residue is moderately conserved and there is a small physicochemical difference between proline and alanine.

NM_002234.4(KCNA5):c.853C>G (p.Pro285Ala)

Gene: KCNA5 (potassium voltage-gated channel subfamily A member 5; plus strand). Cytogenetic location: 12p13.32.
Variant type: single nucleotide variant.
Coding change: c.853C>G on transcript NM_002234.4 (MANE Select); coding-DNA position 853, C replaced by G.
Protein change: p.Pro285Ala; replaces proline 285 with alanine.
Molecular consequence: missense variant.
Genome position (GRCh38, 1-based): chr12:5,045,000, C>G. VCF-style: chr12-5045000-C-G. GRCh37 (hg19) VCF-style: chr12-5154166-C-G.
Other names: short protein forms P285A.
Identifiers: ClinVar variation 834438 (VCV000834438.9), dbSNP rs1862757483, ClinGen allele CA383465292.